The following is an entry in ClinVar:

ClinVar aggregate classification (germline): Uncertain significance (1 of 4 stars; one submission).

Allele frequency attached by ClinVar (database versions not stated): TOPMed below 0.00001; gnomAD 0.00001; ExAC 0.00002; gnomAD exomes 0.00002.
gnomAD v4.1: 12 of 1,609,838 alleles (0.00075%); highest among the groups gnomAD compares: Admixed American, 0.0017%; no homozygotes.

Submission:

Labcorp Genetics (formerly Invitae), Labcorp
Classification: Uncertain significance. Last evaluated: 2022-04-16. Review status: criteria provided, single submitter. Criteria: Invitae Variant Classification Sherloc (09022015). Collection method: clinical testing. Allele origin: germline.
Comment: In summary, the available evidence is currently insufficient to determine the role of this variant in disease. Therefore, it has been classified as a Variant of Uncertain Significance. This sequence change replaces proline, which is neutral and non-polar, with serine, which is neutral and polar, at codon 33 of the USP7 protein (p.Pro33Ser). The frequency data for this variant in the population databases is considered unreliable, as metrics indicate poor data quality at this position in the gnomAD database. This variant has not been reported in the literature in individuals affected with USP7-related conditions. Algorithms developed to predict the effect of missense changes on protein structure and function (SIFT, PolyPhen-2, Align-GVGD) all suggest that this variant is likely to be tolerated.

NM_003470.3(USP7):c.97C>T (p.Pro33Ser)

Gene: USP7 (ubiquitin specific peptidase 7; minus strand). Cytogenetic location: 16p13.2.
Variant type: single nucleotide variant.
Coding change: c.97C>T on transcript NM_003470.3 (MANE Select); coding-DNA position 97, C replaced by T.
Protein change: p.Pro33Ser; replaces proline 33 with serine.
Molecular consequence: missense variant. On other transcripts: 5 prime UTR variant (2), non-coding transcript variant (1).
Genome position (GRCh38, 1-based): chr16:8,930,380, G>A on the plus strand (C>T on the coding strand, the complement: USP7 is on the minus strand). VCF-style: chr16-8930380-G-A. GRCh37 (hg19) VCF-style: chr16-9024237-G-A.
Other names: c.49C>T, p.Pro17Ser (NM_001286457.2); c.-376C>T (NM_001286458.2); c.-78C>T (NM_001321858.2); short protein forms P17S, P33S.
Identifiers: ClinVar variation 1978110 (VCV001978110.5), dbSNP rs759508713, ClinGen allele CA7895834.